The following is an entry in ClinVar:

NM_000321.3(RB1):c.34_42dup (p.Ala14_Ala15insThrAlaAla)

Gene: RB1 (RB transcriptional corepressor 1; plus strand). Cytogenetic location: 13q14.2.
Variant type: Duplication.
Coding change: c.34_42dup on transcript NM_000321.3 (MANE Select); coding-DNA positions 34 to 42, 9 bases duplicated (ACCGCCGCC; older notation c.34_42dupACCGCCGCC).
Protein change: p.Ala14_Ala15insThrAlaAla.
Molecular consequence: inframe insertion. On other transcripts: inframe indel (1).
Genome position (GRCh38, 1-based): chr13:48,303,946-48,303,954, ACCGCCGCC duplicated; duplicating any 9 consecutive bases within chr13:48,303,940-48,303,954 gives the same sequence; the c. name uses the placement nearest the transcript's 3' end. VCF-style (leftmost placement, unchanged base first): chr13-48303939-G-GGCCGCCACC. GRCh37 (hg19) VCF-style: chr13-48878075-G-GGCCGCCACC.
Other names: c.34_42dupACCGCCGCC (NM_000321.2); c.34_42dup, p.Ala14_Ala15insThrAlaAla (NM_001407165.1, NM_001407166.1, NM_001407167.1).
Identifiers: ClinVar variation 3313070 (VCV003313070.1).
Genomic context (GRCh38, chr13:48,303,939, plus strand): 5'-CACAGCTCGCTGGCTCCCGCCGCGGAAAGGCGTCATGCCGCCCAAAACCCCCCGAAAAAC[G>GGCCGCCACC]GCCGCCACCGCCGCCGCTGCCGCCGCGGAACCCCCGGCACCGCCGCCGCCGCCCCCTCCT-3'

ClinVar aggregate classification (germline): Uncertain significance (1 of 4 stars; one submission).

Conditions:
Hereditary cancer-predisposing syndrome. Also called: Neoplastic Syndromes, Hereditary; Tumor predisposition; Hereditary neoplastic syndrome; Hereditary Cancer Syndrome. Identifiers: Orphanet 140162, MedGen C0027672, MeSH D009386, MONDO:0015356.

Submission:

Ambry Genetics
Classification: Uncertain significance for Hereditary cancer-predisposing syndrome. Last evaluated: 2024-06-21. Review status: criteria provided, single submitter. Criteria: Ambry Variant Classification Scheme 2023. Collection method: clinical testing. Allele origin: germline.
Comment: The c.34_42dupACCGCCGCC variant (also known as p.T12_A14dup), located in coding exon 1 of the RB1 gene, results from an in-frame duplication of ACCGCCGCC at nucleotide positions 34 to 42. This results in the duplication of 3 extra residues (TAA) between codons 12 and 14. This amino acid region is not well conserved in available vertebrate species. In addition, this alteration is predicted to be neutral by in silico analysis (Choi Y et al. PLoS ONE. 2012; 7(10):e46688). Based on the available evidence, the clinical significance of this variant remains unclear.